The following is an entry in ClinVar:

ClinVar aggregate classification (germline): Conflicting classifications of pathogenicity. Review status: criteria provided, conflicting classifications (1 of 4 stars). 17 submissions from 17 submitters: Uncertain significance (3); Benign (3); Likely benign (7). 4 of the submissions do not count toward it. Last evaluated 2026-05-02.

Conditions:
Breast and/or ovarian cancer. Identifiers: MedGen CN221562.
BRCA2-related disorder. Also called: BRCA2-related condition; BRCA2-related disorders. Identifiers: MedGen CN239275.
Hereditary cancer-predisposing syndrome. Also called: Hereditary neoplastic syndrome; Tumor predisposition; Hereditary Cancer Syndrome; Neoplastic Syndromes, Hereditary. Identifiers: Orphanet 140162, MedGen C0027672, MeSH D009386, MONDO:0015356.
Hereditary breast ovarian cancer syndrome. Also called: Breast and ovarian cancer; Hereditary breast and/or ovarian cancer syndrome; BRCA1- and BRCA2-Associated Hereditary Breast and Ovarian Cancer; Hereditary breast and ovarian cancer syndrome; Hereditary breast and ovarian cancer; Hereditary breast and ovarian cancer syndrome (HBOC). Identifiers: Orphanet 145, MedGen C0677776, MeSH D061325, MONDO:0003582. Disease mechanism: loss of function.
Breast-ovarian cancer, familial, susceptibility to, 2 (BROVCA2). Also called: BRCA2 Hereditary Breast and Ovarian Cancer. Identifiers: Orphanet 145, MedGen C2675520, MONDO:0012933, OMIM 612555. Disease mechanism: loss of function.
Malignant tumor of breast. Also called: Cancer breast; Malignant breast neoplasm. Identifiers: MedGen C0006142, MONDO:0007254. Disease mechanism: loss of function.

Allele frequency attached by ClinVar (database versions not stated): gnomAD 0.00002 and 0.00003; gnomAD exomes 0.00002 and 0.00003; TOPMed 0.00002; ExAC 0.00004.
gnomAD v4.1: 52 of 1,614,032 alleles (0.0032%); highest among the groups gnomAD compares: South Asian, 0.02%; no homozygotes.

Submissions (17):

PreventionGenetics, part of Exact Sciences
Classification: Likely benign for BRCA2-related condition. Last evaluated: 2026-05-02. Review status: criteria provided, single submitter. Criteria: ACMG Guidelines, 2015. Collection method: clinical testing. Allele origin: germline.
Comment: This variant is classified as likely benign based on ACMG/AMP sequence variant interpretation guidelines (Richards et al. 2015 PMID: 25741868, with internal and published modifications).

Labcorp Genetics (formerly Invitae), Labcorp
Classification: Likely benign for Hereditary breast ovarian cancer syndrome. Last evaluated: 2026-01-24. Review status: criteria provided, single submitter. Criteria: Invitae Variant Classification Sherloc (09022015). Collection method: clinical testing. Allele origin: germline.

Center for Genomic Medicine, Rigshospitalet, Copenhagen University Hospital
Classification: Likely benign. Last evaluated: 2025-03-04. Review status: criteria provided, single submitter. Criteria: ACMG Guidelines, 2015. Collection method: clinical testing. Allele origin: germline.

Quest Diagnostics Nichols Institute San Juan Capistrano
Classification: Uncertain significance. Last evaluated: 2024-12-25. Review status: criteria provided, single submitter. Criteria: Quest Diagnostics criteria. Collection method: clinical testing. Allele origin: unknown.
Comment: The BRCA2 c.10154G>A (p.Arg3385His) variant has been reported in the published literature in individuals affected with breast cancer (PMID:22752604 (2012), 33471991 (2021), see also LOVD) and prostate cancer (PMID:21952622 (2011)). This variant has also been identified in reportedly healthy individuals (PMID: 33471991 (2021), see also LOVD). A functional study showed inconclusive results regarding the variant's impact on protein function (PMID: 32444794 (2020)). The frequency of this variant in the general population (Genome Aggregation Database) is uninformative in the assessment of its pathogenicity. Analysis of this variant using bioinformatics tools for the prediction of the effect of amino acid changes on protein structure and function yielded predictions that this variant is benign. Based on the available information, we are unable to determine the clinical significance of this variant.

Blueprint Genetics
Classification: Likely benign. Last evaluated: 2024-10-03. Review status: criteria provided, single submitter. Criteria: ACMG Guidelines, 2015. Collection method: clinical testing. Allele origin: germline.

Women's Health and Genetics/Laboratory Corporation of America, LabCorp
Classification: Likely benign. Last evaluated: 2023-09-22. Review status: criteria provided, single submitter. Criteria: LabCorp Variant Classification Summary - May 2015. Collection method: clinical testing. Allele origin: germline.
Comment: Variant summary: BRCA2 c.10154G>A (p.Arg3385His) results in a non-conservative amino acid change in the encoded protein sequence. Three of four in-silico tools predict a benign effect of the variant on protein function. The variant allele was found at a frequency of 1.6e-05 in 251270 control chromosomes. The available data on variant occurrences in the general population are insufficient to allow any conclusion about variant significance. c.10154G>A has been reported in the literature in individuals affected with Hereditary Breast And Ovarian Cancer Syndrome and other cancer phenotypes (examples- Kote-Jarai _2011, Laitman _2011, Juwle_2012, Lu_2015). These reports do not provide unequivocal conclusions about association of the variant with Hereditary Breast And Ovarian Cancer Syndrome. At least one co-occurrence with another pathogenic variant has been reported (BRCA2 c.7558C>T, p.Arg2520X; UMD database), providing supporting evidence for a benign role. At least one publication reports experimental evidence evaluating an impact on protein function (Ikegami_2020). Tumors with pathogenic variants within BRCA and defective HDR have been shown to be particularly sensitive to platinum-based chemotherapies and poly (ADP-ribose) polymerase (PARP) inhibitors, the efficacy of which is mediated through synthetic lethality in cancer cells with BRCA loss-of function. These results showed no damaging effect of this variant on homology directed repair (HDR capacity) based on a high throughput cell based viability assay (MANO-B method) to evaluate drug sensitivity of the BRCA2 variants treated with PARP inhibitors (olaparib, niraparib, rucaparib and carboplatin) at various concentrations. The following publications have been ascertained in the context of this evaluation (PMID: 21952622, 22752604, 20960228, 24504028, 26689913, 32444794). Nine submitters have cited clinical-significance assessments for this variant to ClinVar after 2014 and classified as benign/likely benign (n=6) and VUS (n=3). Based on the evidence outlined above, the variant was classified as likely benign.

All of Us Research Program, National Institutes of Health
Classification: Benign for Breast-ovarian cancer, familial, susceptibility to, 2. Last evaluated: 2023-08-15. Review status: criteria provided, single submitter. Criteria: ACMG Guidelines, 2015. Collection method: clinical testing. Allele origin: germline. Inheritance: Autosomal dominant inheritance. Observed: 3 variant alleles, 3 heterozygotes.
Comment: This study involves interpretation of variants in research participants for the purpose of population health screening. Participant phenotype was not available at the time of variant classification. Additional details can be found in publication PMID: 35346344, PMCID: PMC8962531

National Health Laboratory Service, Universitas Academic Hospital and University of the Free State
Classification: Uncertain significance for Hereditary breast ovarian cancer syndrome. Last evaluated: 2021-11-16. Review status: criteria provided, single submitter. Criteria: ACMG Guidelines, 2015. Collection method: clinical testing. Allele origin: germline. Affected: yes. Observed: 1 variant allele.

GeneDx
Classification: Likely benign. Last evaluated: 2019-11-26. Review status: criteria provided, single submitter. Criteria: GeneDx Variant Classification Process June 2021. Collection method: clinical testing. Allele origin: germline. Affected: yes.
Comment: This variant is associated with the following publications: (PMID: 22752604, 20960228)

Color Diagnostics, LLC DBA Color Health
Classification: Benign for Hereditary cancer-predisposing syndrome. Last evaluated: 2016-04-21. Review status: criteria provided, single submitter. Criteria: ACMG Guidelines, 2015. Collection method: clinical testing. Allele origin: germline.

Eurofins Ntd Llc (ga)
Classification: Uncertain significance. Last evaluated: 2015-11-24. Review status: criteria provided, single submitter. Criteria: EGL Classification Definitions 2015. Collection method: clinical testing. Allele origin: germline. Observed: 1 variant allele, 1 heterozygote.

CHEO Genetics Diagnostic Laboratory, Children's Hospital of Eastern Ontario
Classification: Likely benign for Breast and/or ovarian cancer. Last evaluated: 2015-09-11. Review status: criteria provided, single submitter. Criteria: ACMG Guidelines, 2015. Collection method: clinical testing. Allele origin: germline. Study: Canadian Open Genetics Repository.

Ambry Genetics
Classification: Benign for Hereditary cancer-predisposing syndrome. Last evaluated: 2015-06-23. Review status: criteria provided, single submitter. Criteria: Ambry Variant Classification Scheme 2023. Collection method: clinical testing. Allele origin: germline.

True Health Diagnostics
Classification: Likely benign for Hereditary cancer-predisposing syndrome. Last evaluated: 2017-09-29. Review status: no assertion criteria provided. Collection method: clinical testing. Allele origin: germline. Not counted in ClinVar's aggregate classification.

Sharing Clinical Reports Project (SCRP)
Classification: Benign for Breast-ovarian cancer, familial 2. Last evaluated: 2012-03-29. Review status: no assertion criteria provided. Collection method: clinical testing. Allele origin: germline. Not counted in ClinVar's aggregate classification.

Breast Cancer Information Core (BIC) (BRCA2)
Classification: Uncertain significance for Breast-ovarian cancer, familial 2. Last evaluated: 2002-05-29. Review status: no assertion criteria provided. Collection method: clinical testing. Allele origin: germline. Affected: yes. Observed: 3 variant alleles. Not counted in ClinVar's aggregate classification.

Department of Pathology and Laboratory Medicine, Sinai Health System
Classification: Likely benign for Malignant tumor of breast. Review status: no assertion criteria provided. Collection method: clinical testing. Allele origin: unknown. Affected: yes. Study: The Canadian Open Genetics Repository (COGR). Not counted in ClinVar's aggregate classification.
Comment: The BRCA2 p.Arg3385His variant was identified in 2 of 2626 proband chromosomes (frequency: 0.0008) from individuals or families with breast and ovarian cancer (Laitman 2011, Cunningham 2014). The variant was also identified in ClinVar (as benign by Ambry Genetics and SCRP, as likely benign by CHEO and GeneDx, as uncertain significance by Emory Genetics, Invitae and BIC), Genesight-COGR (as likely benign by CHEO), LOVD 3.0 (1x, function effect unknown, and unclassified), UMD (1x as VUS), BIC (3x, classification pending) databases. The variant was not identified in Cosmic, MutDB, ARUP Laboratories and Zhejiang Colon Cancer Databases. The variant was identified in control databases in 4 of 245946 chromosomes at a frequency of 0.00002 increasing the likelihood that this may be a low frequency benign variant in certain populations of origin (Genome Aggregation Consortium Feb 27, 2017). The p.Arg3385 residue is not conserved in mammals and the variant amino acid histamine (His) is present in dog, increasing the likelihood that this variant does not have clinical significance. In addition computational analyses (PolyPhen-2, SIFT, AlignGVGD, BLOSUM, MutationTaster) do not suggest a high likelihood of impact to the protein; however, this information is not predictive enough to rule out pathogenicity. The variant occurs outside of the splicing consensus sequence and in silico or computational prediction software programs (SpliceSiteFinder, MaxEntScan, NNSPLICE, GeneSplicer, HumanSpliceFinder) do not predict a difference in splicing. In summary, based on the above information the clinical significance of this variant cannot be determined with certainty at this time although we would lean towards a more benign role for this variant. This variant is classified as likely benign.

Literature cited by the submitters: PubMed 32444794 (cited by Quest Diagnostics Nichols Institute San Juan Capistrano and Women's Health and Genetics/Laboratory Corporation of America, LabCorp); PubMed 26689913 (cited by Quest Diagnostics Nichols Institute San Juan Capistrano and Women's Health and Genetics/Laboratory Corporation of America, LabCorp); PubMed 20960228 (cited by Quest Diagnostics Nichols Institute San Juan Capistrano and Women's Health and Genetics/Laboratory Corporation of America, LabCorp); PubMed 21952622 (cited by Quest Diagnostics Nichols Institute San Juan Capistrano and Women's Health and Genetics/Laboratory Corporation of America, LabCorp); PubMed 22752604 (cited by Quest Diagnostics Nichols Institute San Juan Capistrano and Women's Health and Genetics/Laboratory Corporation of America, LabCorp); PubMed 33471991 (cited by Quest Diagnostics Nichols Institute San Juan Capistrano); PubMed 24504028 (cited by Women's Health and Genetics/Laboratory Corporation of America, LabCorp); DOI 10.3389/fgene.2022.834265 (cited by National Health Laboratory Service, Universitas Academic Hospital and University of the Free State).

NM_000059.4(BRCA2):c.10154G>A (p.Arg3385His)

Gene: BRCA2 (BRCA2 DNA repair associated; plus strand). Cytogenetic location: 13q13.1.
Variant type: single nucleotide variant.
Coding change: c.10154G>A on transcript NM_000059.4 (MANE Select); coding-DNA position 10154, G replaced by A.
Protein change: p.Arg3385His; replaces arginine 3385 with histidine.
Molecular consequence: missense variant.
Genome position (GRCh38, 1-based): chr13:32,398,667, G>A. VCF-style: chr13-32398667-G-A. GRCh37 (hg19) VCF-style: chr13-32972804-G-A.
Other names: NP_000050.3:p.Arg3385His; 10382G>A; short protein forms R3385H.
Identifiers: ClinVar variation 37722 (VCV000037722.61), dbSNP rs80358398, ClinGen allele CA010372.